The following is an entry in ClinVar:

ClinVar aggregate classification (germline): Pathogenic. Review status: criteria provided, multiple submitters, no conflicts (2 of 4 stars). 8 submissions from 8 submitters: Pathogenic (6). 2 of the submissions do not count toward it. Last evaluated 2025-12-02.

Conditions:
Citrullinemia. Identifiers: Orphanet 187, MedGen C0175683, MONDO:0015991.
Citrullinemia, type II, adult-onset (CDAA). Also called: CITRIN DEFICIENCY, ADOLESCENT OR ADULT ONSET. Identifiers: Orphanet 247585, MedGen CN295299, MONDO:0011326, OMIM 603471.
Citrin deficiency. Identifiers: Orphanet 247582, MedGen C1997910, MONDO:0016602.
Citrullinemia type II. Also called: Citrullinemia Type II (CTLN2). Identifiers: Orphanet 247585, MedGen C1863844, MONDO:0016603.
Neonatal intrahepatic cholestasis due to citrin deficiency (CDNI). Also called: Neonatal Intrahepatic Cholestasis Caused by Citrin Deficiency (NICCD); Neonatal-onset citrullinemia type II; Neonatal-onset citrullinemia type 2; CITRIN DEFICIENCY, NEONATAL OR INFANTILE ONSET. Identifiers: Orphanet 247598, MedGen C1853942, MONDO:0011601, OMIM 605814.

Allele frequency attached by ClinVar (database versions not stated): gnomAD 0.00001; TOPMed below 0.00001.
gnomAD v4.1: 23 of 1,613,844 alleles (0.0014%); highest among the groups gnomAD compares: East Asian, 0.045%; no homozygotes.

Submissions (8):

Natera, Inc.
Classification: Pathogenic for Citrullinemia. Last evaluated: 2025-12-02. Review status: criteria provided, single submitter. Criteria: Natera Variant Classification Schema (03/2026). Collection method: clinical testing. Allele origin: germline.
Comment: The c.1311+1G>A variant in SLC25A13 is a canonical splice donor site variant predicted to affect pre-mRNA splicing, which may result in an abnormal transcript and altered protein product. This variant is expected to result in nonsense mediated decay, truncation, or a dysfunctional protein product. This variant is rare in the general population with a frequency below the threshold expected for the associated phenotype(s). This variant has been observed in one or more individuals affected with the associated recessive disease, as either homozygous or compound heterozygous with a second variant (PMID: 11153906). Given the available evidence, this variant is classified as Pathogenic.

GeneDx
Classification: Pathogenic. Last evaluated: 2025-03-12. Review status: criteria provided, single submitter. Criteria: GeneDx Variant Classification Process June 2021. Collection method: clinical testing. Allele origin: germline. Affected: yes.
Comment: Canonical splice site variant predicted to result in an in-frame loss of the adjacent exon in a gene for which loss of function is a known mechanism of disease; Not observed at significant frequency in large population cohorts (gnomAD); Common pathogenic variant identified in Japanese patients with SLC25A13-related citrullinemia (PMID: 35142380, 14680984, 30887117); This variant is associated with the following publications: (PMID: 25525159, 38535123, 37168916, 38863445, 32369273, 29787821, 38374571, 33861477, 38503330, 20118603, 24508627, 35142380, 29659898, 10369257, 27405544, 14680984, 21161389, 30887117)

Baylor Genetics
Classification: Pathogenic for Citrullinemia, type II, adult-onset. Last evaluated: 2024-03-20. Review status: criteria provided, single submitter. Criteria: ACMG Guidelines, 2015. Collection method: clinical testing. Allele origin: unknown.

Labcorp Genetics (formerly Invitae), Labcorp
Classification: Pathogenic for Citrin deficiency. Last evaluated: 2023-11-20. Review status: criteria provided, single submitter. Criteria: Invitae Variant Classification Sherloc (09022015). Collection method: clinical testing. Allele origin: germline.
Comment: This sequence change affects a donor splice site in intron 13 of the SLC25A13 gene. It is expected to disrupt RNA splicing. Variants that disrupt the donor or acceptor splice site typically lead to a loss of protein function (PMID: 16199547), and loss-of-function variants in SLC25A13 are known to be pathogenic (PMID: 10369257, 14680984, 27405544). This variant is present in population databases (rs80338723, gnomAD 0.003%). Disruption of this splice site has been observed in individual(s) with citrin deficiency (PMID: 10369257, 29659898). This variant is also known as IVS13+1G>A. ClinVar contains an entry for this variant (Variation ID: 6005). Algorithms developed to predict the effect of sequence changes on RNA splicing suggest that this variant may disrupt the consensus splice site. For these reasons, this variant has been classified as Pathogenic.

Revvity Omics, Revvity
Classification: Pathogenic. Last evaluated: 2023-03-09. Review status: criteria provided, single submitter. Criteria: ACMG Guidelines, 2015. Collection method: clinical testing. Allele origin: germline.

Neuberg Centre For Genomic Medicine, NCGM
Classification: Pathogenic for Neonatal intrahepatic cholestasis due to citrin deficiency. Review status: criteria provided, single submitter. Criteria: ACMG Guidelines, 2015. Collection method: clinical testing. Allele origin: germline. Inheritance: Autosomal recessive inheritance. Affected: yes.
Comment: The observed invariant splice donor c.1311+1G>A variant in SLC25A13 gene has been reported previously reported in multiple individuals affected with citrin deficiency (Kobayashi et al., 1999; Kobayashi et al., 2003 Hirayama et al., 2018). The c.1311+1G>A variant is present with allele frequency of 0.0004% in gnomAD Exomes. This variant has been submitted to the ClinVar database as Pathogenic. Loss of function variants in SLC25A13 gene have been previously reported to be disease causing (Lin et al., 2016). For these reasons, this variant has been classified as Pathogenic.

OMIM
Classification: Pathogenic for CITRIN DEFICIENCY, ADULT ONSET. Last evaluated: 1999-06-01. Review status: no assertion criteria provided. Collection method: literature only. Allele origin: germline. Not counted in ClinVar's aggregate classification.

GeneReviews
No classification provided. Condition: Citrullinemia type II. Review status: no classification provided. Collection method: literature only. Allele origin: unknown. Not counted in ClinVar's aggregate classification.

Literature cited by the submitters: PubMed 11153906 (cited by Natera, Inc.); PubMed 16199547 (cited by Labcorp Genetics (formerly Invitae), Labcorp); PubMed 10369257 (cited by 3 submitters); PubMed 14680984 (cited by Labcorp Genetics (formerly Invitae), Labcorp); PubMed 27405544 (cited by Labcorp Genetics (formerly Invitae), Labcorp); PubMed 29659898 (cited by Labcorp Genetics (formerly Invitae), Labcorp); PubMed 20301360 (cited by GeneReviews); NCBI Bookshelf NBK1181 (cited by GeneReviews).

NM_014251.3(SLC25A13):c.1311+1G>A

Gene: SLC25A13 (solute carrier family 25 member 13; minus strand). Cytogenetic location: 7q21.3.
Variant type: single nucleotide variant.
Coding change: c.1311+1G>A on transcript NM_014251.3 (MANE Select); the canonical splice donor site of the intron after coding-DNA position 1311, G replaced by A.
Molecular consequence: splice donor variant.
Genome position (GRCh38, 1-based): chr7:96,170,044, C>T on the plus strand (G>A on the coding strand, the complement: SLC25A13 is on the minus strand). VCF-style: chr7-96170044-C-T. GRCh37 (hg19) VCF-style: chr7-95799356-C-T.
Other names: IVS13DS, G-A, +1; c.1314+1G>A (NM_001160210.2).
Identifiers: ClinVar variation 6005 (VCV000006005.22), dbSNP rs80338723, ClinGen allele CA340500.